The following is an entry in ClinVar:

NM_001430.5(EPAS1):c.2251A>C (p.Met751Leu)

Gene: EPAS1 (endothelial PAS domain protein 1; plus strand). Cytogenetic location: 2p21.
Variant type: single nucleotide variant.
Coding change: c.2251A>C on transcript NM_001430.5 (MANE Select); coding-DNA position 2251, A replaced by C.
Protein change: p.Met751Leu; replaces methionine 751 with leucine.
Molecular consequence: missense variant.
Genome position (GRCh38, 1-based): chr2:46,382,053, A>C. VCF-style: chr2-46382053-A-C. GRCh37 (hg19) VCF-style: chr2-46609192-A-C.
Other names: short protein forms M751L.
Identifiers: ClinVar variation 1788434 (VCV001788434.2), dbSNP rs2103677046, ClinGen allele CA346705860.

ClinVar aggregate classification (germline): Uncertain significance (1 of 4 stars; one submission).

Conditions:
Inborn genetic diseases. Identifiers: MedGen C0950123, MeSH D030342.

Allele frequency attached by ClinVar (database versions not stated): gnomAD exomes below 0.00001.
gnomAD v4.1: 1 of 1,613,734 alleles (0.000062%); highest among the groups gnomAD compares: Non-Finnish European, 0.000085%; no homozygotes.

Submission:

Ambry Genetics
Classification: Uncertain significance for Inborn genetic diseases. Last evaluated: 2022-07-30. Review status: criteria provided, single submitter. Criteria: Ambry Variant Classification Scheme 2023. Collection method: clinical testing. Allele origin: germline.
Comment: The p.M751L variant (also known as c.2251A>C), located in coding exon 14 of the EPAS1 gene, results from an A to C substitution at nucleotide position 2251. The methionine at codon 751 is replaced by leucine, an amino acid with highly similar properties. This amino acid position is conserved. In addition, this alteration is predicted to be tolerated by in silico analysis. Since supporting evidence is limited at this time, the clinical significance of this alteration remains unclear.